The following is an entry in ClinVar:

NM_000214.3(JAG1):c.1062C>T (p.Thr354=)

Gene: JAG1 (jagged canonical Notch ligand 1; minus strand). Cytogenetic location: 20p12.2.
Variant type: single nucleotide variant.
Coding change: c.1062C>T on transcript NM_000214.3 (MANE Select); coding-DNA position 1062, C replaced by T.
Protein change: p.Thr354=; no amino-acid change (threonine 354 retained).
Molecular consequence: synonymous variant.
Genome position (GRCh38, 1-based): chr20:10,651,639, G>A on the plus strand (C>T on the coding strand, the complement: JAG1 is on the minus strand). VCF-style: chr20-10651639-G-A. GRCh37 (hg19) VCF-style: chr20-10632287-G-A.
Other names: c.1062C>T, p.Thr354= (LRG_1191t1).
Identifiers: ClinVar variation 387400 (VCV000387400.21), dbSNP rs201234509, ClinGen allele CA9764984.

ClinVar aggregate classification (germline): Benign/Likely benign. Review status: criteria provided, multiple submitters, no conflicts (2 of 4 stars). 6 submissions from 6 submitters: Benign (1); Likely benign (4). 1 of the submissions does not count toward it. Last evaluated 2025-12-15.

Conditions:
Cardiovascular phenotype. Identifiers: MedGen CN230736.
Alagille syndrome due to a JAG1 point mutation. Also called: Alagille Syndrome 1; HEPATIC DUCTULAR HYPOPLASIA, SYNDROMATIC; JAG1-Related Alagille Syndrome. Identifiers: Orphanet 261619, Orphanet 52, MedGen C1956125, MONDO:0016862, OMIM 118450.
JAG1-related disorder. Also called: JAG1-related condition; JAG1-related disorders.

Allele frequency attached by ClinVar (database versions not stated): gnomAD 0.00007 and 0.00009; gnomAD exomes 0.00007 and 0.00020; TOPMed 0.00014; ExAC 0.00022; 1000 Genomes Project 30x 0.00031; 1000 Genomes Project 0.00040.
gnomAD v4.1: 115 of 1,614,136 alleles (0.0071%); highest among the groups gnomAD compares: East Asian, 0.24%; no homozygotes.

Submissions (6):

Labcorp Genetics (formerly Invitae), Labcorp
Classification: Benign for Alagille syndrome due to a JAG1 point mutation. Last evaluated: 2025-12-15. Review status: criteria provided, single submitter. Criteria: Invitae Variant Classification Sherloc (09022015). Collection method: clinical testing. Allele origin: germline.

Blueprint Genetics
Classification: Likely benign. Last evaluated: 2023-12-14. Review status: criteria provided, single submitter. Criteria: ACMG Guidelines, 2015. Collection method: clinical testing. Allele origin: germline.

GeneDx
Classification: Likely benign. Last evaluated: 2018-06-14. Review status: criteria provided, single submitter. Criteria: GeneDx Variant Classification Process June 2021. Collection method: clinical testing. Allele origin: germline. Affected: yes.

Ambry Genetics
Classification: Likely benign for Cardiovascular phenotype. Last evaluated: 2016-11-01. Review status: criteria provided, single submitter. Criteria: Ambry Variant Classification Scheme 2023. Collection method: clinical testing. Allele origin: germline.

Breakthrough Genomics
Classification: Likely benign. Review status: criteria provided, single submitter. Criteria: ACMG Guidelines, 2015. Collection method: not provided. Allele origin: germline. Inheritance: Autosomal dominant inheritance. Affected: yes.

PreventionGenetics, part of Exact Sciences
Classification: Likely benign for JAG1-related condition. Last evaluated: 2020-10-13. Review status: no assertion criteria provided. Collection method: clinical testing. Allele origin: germline. Not counted in ClinVar's aggregate classification.
Comment: This variant is classified as likely benign based on ACMG/AMP sequence variant interpretation guidelines (Richards et al. 2015 PMID: 25741868, with internal and published modifications).